The following is an entry in ClinVar:

NM_004006.3(DMD):c.4299_4306dup (p.Ala1436fs)

Gene: DMD (dystrophin; minus strand). Cytogenetic location: Xp21.1.
Variant type: Duplication.
Coding change: c.4299_4306dup on transcript NM_004006.3 (MANE Select); coding-DNA positions 4299 to 4306, 8 bases duplicated (GAAGGAGG; older notation c.4299_4306dupGAAGGAGG).
Protein change: p.Ala1436fs; shifts the reading frame from alanine 1436.
Molecular consequence: frameshift variant.
Genome position (GRCh38, 1-based): chrX:32,390,109-32,390,116, CCTCCTTC duplicated on the plus strand (GAAGGAGG on the coding strand, the reverse complement: DMD is on the minus strand); duplicating any 8 consecutive bases within chrX:32,390,109-32,390,118 gives the same sequence; the c. name uses the placement nearest the transcript's 3' end. VCF-style (leftmost placement, unchanged base first): chrX-32390108-G-GCCTCCTTC. GRCh37 (hg19) VCF-style: chrX-32408225-G-GCCTCCTTC.
Other names: c.4275_4282dup, p.Ala1428fs (NM_000109.4); c.4287_4294dup, p.Ala1432fs (NM_004009.3); c.3930_3937dup, p.Ala1313fs (NM_004010.3); c.276_283dup, p.Ala95fs (NM_004011.4); c.267_274dup, p.Ala92fs (NM_004012.4); short protein forms A1428fs, A1432fs, A1436fs, A1313fs, A92fs, A95fs.
Identifiers: ClinVar variation 1404003 (VCV001404003.8), dbSNP rs2147620247, ClinGen allele CA2573158680.

ClinVar aggregate classification (germline): Pathogenic (1 of 4 stars; one submission).

Conditions:
Duchenne muscular dystrophy (DMD). Also called: MUSCULAR DYSTROPHY, PSEUDOHYPERTROPHIC PROGRESSIVE, DUCHENNE TYPE; Duchenne Muscular Dystrophy (DMD). Identifiers: Orphanet 98896, MedGen C0013264, MONDO:0010679, OMIM 310200.

Submission:

Labcorp Genetics (formerly Invitae), Labcorp
Classification: Pathogenic for Duchenne muscular dystrophy. Last evaluated: 2021-04-04. Review status: criteria provided, single submitter. Criteria: Invitae Variant Classification Sherloc (09022015). Collection method: clinical testing. Allele origin: germline.
Comment: This variant is not present in population databases (ExAC no frequency). This sequence change creates a premature translational stop signal (p.Ala1436Glyfs*24) in the DMD gene. It is expected to result in an absent or disrupted protein product. Loss-of-function variants in DMD are known to be pathogenic (PMID: 16770791, 25007885). This variant has been reported in individuals in the Leiden Open-source Variation Database (PMID: 21520333). For these reasons, this variant has been classified as Pathogenic.

Literature cited by the submitters: PubMed 16770791; PubMed 25007885; PubMed 21520333.